The following is an entry in ClinVar:

NM_001174096.2(ZEB1):c.2500A>C (p.Lys834Gln)

Gene: ZEB1 (zinc finger E-box binding homeobox 1; plus strand). Cytogenetic location: 10p11.22.
Variant type: single nucleotide variant.
Coding change: c.2500A>C on transcript NM_001174096.2 (MANE Select); coding-DNA position 2500, A replaced by C.
Protein change: p.Lys834Gln; replaces lysine 834 with glutamine.
Molecular consequence: missense variant.
Genome position (GRCh38, 1-based): chr10:31,521,832, A>C. VCF-style: chr10-31521832-A-C. GRCh37 (hg19) VCF-style: chr10-31810760-A-C.
Other names: c.2449A>C, p.Lys817Gln (NM_001128128.3); c.2437A>C, p.Lys813Gln (NM_001174093.2); c.2446A>C, p.Lys816Gln (NM_001174094.2); c.2296A>C, p.Lys766Gln (NM_001174095.2); c.1843A>C, p.Lys615Gln (NM_001323650.2, NM_001323651.2, NM_001323652.2 and 27 more transcripts); c.2275A>C, p.Lys759Gln (NM_001323674.2); c.2233A>C, p.Lys745Gln (NM_001323675.2); c.2458A>C, p.Lys820Gln (NM_001323676.2); and 3 more; short protein forms K820Q, K745Q, K819Q, K833Q, K615Q, K742Q, K813Q, K759Q.
Identifiers: ClinVar variation 3648277 (VCV003648277.2).

ClinVar aggregate classification (germline): Uncertain significance (1 of 4 stars; one submission).

gnomAD v4.1: 8 of 1,613,570 alleles (0.0005%); highest among the groups gnomAD compares: Non-Finnish European, 0.00059%; no homozygotes.

Submission:

Labcorp Genetics (formerly Invitae), Labcorp
Classification: Uncertain significance. Last evaluated: 2024-06-12. Review status: criteria provided, single submitter. Criteria: Invitae Variant Classification Sherloc (09022015). Collection method: clinical testing. Allele origin: germline.
Comment: This sequence change replaces lysine, which is basic and polar, with glutamine, which is neutral and polar, at codon 833 of the ZEB1 protein (p.Lys833Gln). This variant is present in population databases (no rsID available, gnomAD 0.003%). This variant has not been reported in the literature in individuals affected with ZEB1-related conditions. Advanced modeling of protein sequence and biophysical properties (such as structural, functional, and spatial information, amino acid conservation, physicochemical variation, residue mobility, and thermodynamic stability) performed at Invitae indicates that this missense variant is not expected to disrupt ZEB1 protein function with a negative predictive value of 80%. In summary, the available evidence is currently insufficient to determine the role of this variant in disease. Therefore, it has been classified as a Variant of Uncertain Significance.